The following is an entry in ClinVar:

NM_015338.6(ASXL1):c.2893C>T (p.Arg965Ter)

Gene: ASXL1 (ASXL transcriptional regulator 1; plus strand). Cytogenetic location: 20q11.21.
Variant type: single nucleotide variant.
Coding change: c.2893C>T on transcript NM_015338.6 (MANE Select); coding-DNA position 2893, C replaced by T.
Protein change: p.Arg965Ter; replaces arginine 965 with a stop codon.
Molecular consequence: nonsense.
Genome position (GRCh38, 1-based): chr20:32,435,605, C>T. VCF-style: chr20-32435605-C-T. GRCh37 (hg19) VCF-style: chr20-31023408-C-T.
Other names: c.2710C>T, p.Arg904Ter (NM_001363734.1); short protein forms R965*, R904*.
Identifiers: ClinVar variation 39469 (VCV000039469.4), dbSNP rs397515401, ClinGen allele CA130319.

ClinVar aggregate classification (germline): Pathogenic. Review status: criteria provided, multiple submitters, no conflicts (2 of 4 stars). 3 submissions from 3 submitters: Pathogenic (2). 1 of the submissions does not count toward it. Last evaluated 2024-08-15.

Conditions:
Bohring-Opitz syndrome. Also called: BOHRING SYNDROME; OPITZ TRIGONOCEPHALY-LIKE SYNDROME; ASXL1-Related Bohring-Opitz Syndrome; C-LIKE SYNDROME. Identifiers: Orphanet 97297, MedGen C0796232, MONDO:0011510, OMIM 605039.

Allele frequency attached by ClinVar (database versions not stated): TOPMed below 0.00001; ExAC 0.00001; gnomAD exomes 0.00001 and below 0.00001.

Submissions (3):

3billion
Classification: Pathogenic for Bohring-Opitz syndrome. Last evaluated: 2024-08-15. Review status: criteria provided, single submitter. Criteria: ACMG Guidelines, 2015. Collection method: clinical testing. Allele origin: germline. Affected: yes.
Comment: The variant is observed at an extremely low frequency in the gnomAD v4.0.0 dataset (total allele frequency: <0.001%). Predicted Consequence/Location: Stop-gained (nonsense): predicted to result in a loss or disruption of normal protein function through protein truncation. The predicted truncated protein may be shortened by more than 10%. The variant has been previously reported as assumed (i.e. paternity and maternity not confirmed) de novo in at least two similarly affected unrelated individuals (PMID: 22419483). The variant has been reported to be associated with ASXL1 related disorder (ClinVar ID: VCV000039469 /PMID: 22419483). Therefore, this variant is classified as Pathogenic according to the recommendation of ACMG/AMP guideline.

GeneDx
Classification: Pathogenic. Last evaluated: 2016-05-25. Review status: criteria provided, single submitter. Criteria: GeneDx Variant Classification (06012015). Collection method: clinical testing. Allele origin: germline. Affected: yes.
Comment: The R965X pathogenic variant in the ASXL1 gene has been reported previously in a single individual with features consistent with Bohring-Opitz syndrome whose parents did not have variant so it was presumed to be de novo (Magini et al., 2012). This variant is predicted to cause loss of normal protein function through protein truncation. Protein truncating variants downstream of this variant have been reported in the Human Gene Mutation Database in association with Bohring-Opitz syndrome (Stenson et al., 2014), supporting the pathogenicity of more upstream truncating variants. The R965X variant was not observed in approximately 6,500 individuals of European and African American ancestry in the NHLBI Exome Sequencing Project, indicating it is not a common benign variant in these populations. We interpret R965X as a pathogenic variant.

OMIM
Classification: Pathogenic for BOHRING-OPITZ SYNDROME. Last evaluated: 2012-04-01. Review status: no assertion criteria provided. Collection method: literature only. Allele origin: germline. Not counted in ClinVar's aggregate classification.

Literature cited by the submitters: PubMed 22419483 (cited by 3billion and OMIM).